The following is an entry in ClinVar:

NM_000363.5(TNNI3):c.150+1G>T

Gene: TNNI3 (troponin I3, cardiac type; minus strand). Cytogenetic location: 19q13.42.
Variant type: single nucleotide variant.
Coding change: c.150+1G>T on transcript NM_000363.5 (MANE Select); the canonical splice donor site of the intron after coding-DNA position 150, G replaced by T.
Molecular consequence: splice donor variant.
Genome position (GRCh38, 1-based): chr19:55,156,602, C>A on the plus strand (G>T on the coding strand, the complement: TNNI3 is on the minus strand). VCF-style: chr19-55156602-C-A. GRCh37 (hg19) VCF-style: chr19-55667970-C-A.
Identifiers: ClinVar variation 4797680 (VCV004797680.1).

ClinVar aggregate classification (germline): Likely pathogenic (1 of 4 stars; one submission).

Conditions:
Hypertrophic cardiomyopathy. Also called: HYPERTROPHIC MYOCARDIOPATHY. Identifiers: Orphanet 217569, MedGen C0007194, MeSH D002312, MONDO:0005045, HP:0001639.

Submission:

Labcorp Genetics (formerly Invitae), Labcorp
Classification: Likely pathogenic for Hypertrophic cardiomyopathy. Last evaluated: 2026-01-04. Review status: criteria provided, single submitter. Criteria: Invitae Variant Classification Sherloc (09022015). Collection method: clinical testing. Allele origin: germline.
Comment: This sequence change affects a donor splice site in intron 4 of the TNNI3 gene. It is expected to disrupt RNA splicing. Variants that disrupt the donor or acceptor splice site typically lead to a loss of protein function (PMID: 16199547), and loss-of-function variants in TNNI3 are known to be pathogenic (PMID: 31568572, 34036930, 35838873). This variant is not present in population databases (gnomAD no frequency). This variant has not been reported in the literature in individuals affected with TNNI3-related conditions. Algorithms developed to predict the effect of sequence changes on RNA splicing suggest that this variant may disrupt the consensus splice site. In summary, the currently available evidence indicates that the variant is pathogenic, but additional data are needed to prove that conclusively. Therefore, this variant has been classified as Likely Pathogenic.

Literature cited by the submitters: PubMed 16199547; PubMed 31568572; PubMed 34036930; PubMed 35838873.